The following is an entry in ClinVar:

ClinVar aggregate classification (germline): Uncertain significance (1 of 4 stars; one submission).

Conditions:
Intellectual developmental disorder, autosomal dominant 1. Also called: Intellectual disability, autosomal dominant 1; MBD5 Haploinsufficiency. Identifiers: Orphanet 228402, MedGen C1969562, MONDO:0007974, OMIM 156200.

Allele frequency attached by ClinVar (database versions not stated): gnomAD exomes below 0.00001.
gnomAD v4.1: 2 of 1,613,810 alleles (0.00012%); highest among the groups gnomAD compares: Non-Finnish European, 0.000085%; no homozygotes.

Submission:

Labcorp Genetics (formerly Invitae), Labcorp
Classification: Uncertain significance for Intellectual developmental disorder, autosomal dominant 1. Last evaluated: 2025-04-10. Review status: criteria provided, single submitter. Criteria: Invitae Variant Classification Sherloc (09022015). Collection method: clinical testing. Allele origin: germline.
Comment: This sequence change replaces glutamine, which is neutral and polar, with histidine, which is basic and polar, at codon 1477 of the MBD5 protein (p.Gln1477His). This variant is not present in population databases (gnomAD no frequency). This variant has not been reported in the literature in individuals affected with MBD5-related conditions. ClinVar contains an entry for this variant (Variation ID: 1059705). An algorithm developed to predict the effect of missense changes on protein structure and function outputs the following: PolyPhen-2: "Not Available". The histidine amino acid residue is found in multiple mammalian species, which suggests that this missense change does not adversely affect protein function. In summary, the available evidence is currently insufficient to determine the role of this variant in disease. Therefore, it has been classified as a Variant of Uncertain Significance.

NM_001378120.1(MBD5):c.5130G>C (p.Gln1710His)

Gene: MBD5 (methyl-CpG binding domain protein 5; plus strand). Cytogenetic location: 2q23.1.
Variant type: single nucleotide variant.
Coding change: c.5130G>C on transcript NM_001378120.1 (MANE Select); coding-DNA position 5130, G replaced by C.
Protein change: p.Gln1710His; replaces glutamine 1710 with histidine.
Molecular consequence: missense variant.
Genome position (GRCh38, 1-based): chr2:148,512,887, G>C. VCF-style: chr2-148512887-G-C. GRCh37 (hg19) VCF-style: chr2-149270456-G-C.
Other names: c.4431G>C, p.Gln1477His (NM_018328.5); short protein forms Q1477H, Q1710H.
Identifiers: ClinVar variation 1059705 (VCV001059705.9), dbSNP rs2105294933, ClinGen allele CA348859368.